The following is an entry in ClinVar:

NM_005120.3(MED12):c.2559G>A (p.Leu853=)

Gene: MED12 (mediator complex subunit 12; plus strand). Cytogenetic location: Xq13.1.
Variant type: single nucleotide variant.
Coding change: c.2559G>A on transcript NM_005120.3 (MANE Select); coding-DNA position 2559, G replaced by A.
Protein change: p.Leu853=; no amino-acid change (leucine 853 retained).
Molecular consequence: synonymous variant.
Genome position (GRCh38, 1-based): chrX:71,126,358, G>A. VCF-style: chrX-71126358-G-A. GRCh37 (hg19) VCF-style: chrX-70346208-G-A.
Identifiers: ClinVar variation 1450710 (VCV001450710.6), dbSNP rs2147796383, ClinGen allele CA516818995.

ClinVar aggregate classification (germline): Uncertain significance (1 of 4 stars; one submission).

Conditions:
FG syndrome (FGS). Identifiers: MedGen C0220769, MONDO:0002010.

Submission:

Labcorp Genetics (formerly Invitae), Labcorp
Classification: Uncertain significance for FG syndrome. Last evaluated: 2021-09-18. Review status: criteria provided, single submitter. Criteria: Invitae Variant Classification Sherloc (09022015). Collection method: clinical testing. Allele origin: germline.
Comment: This sequence change affects codon 853 of the MED12 mRNA. It is a 'silent' change, meaning that it does not change the encoded amino acid sequence of the MED12 protein. This variant is not present in population databases (ExAC no frequency). This variant has not been reported in the literature in individuals affected with MED12-related conditions. Algorithms developed to predict the effect of sequence changes on RNA splicing suggest that this variant may create or strengthen a splice site. In summary, the available evidence is currently insufficient to determine the role of this variant in disease. Therefore, it has been classified as a Variant of Uncertain Significance.